The following is an entry in ClinVar:

ClinVar aggregate classification (germline): Pathogenic. Review status: criteria provided, multiple submitters, no conflicts (2 of 4 stars). 2 submissions from 2 submitters: Pathogenic (2). Last evaluated 2021-01-01.

Conditions:
Epilepsy with myoclonic atonic seizures. Also called: Generalized myoclonic-atonic seizure; Myoclonic atonic seizures. Identifiers: Orphanet 1942, MedGen C0393702, MONDO:0014633, OMIM 616421, HP:0011170.

Submissions (2):

Unidad de Genómica Garrahan, Hospital de Pediatría Garrahan
Classification: Pathogenic for Epilepsy with myoclonic atonic seizures. Last evaluated: 2021-01-01. Review status: criteria provided, single submitter. Criteria: ACMG Guidelines, 2015. Collection method: clinical testing. Allele origin: de novo. Affected: yes. Observed: 1 variant allele.
Comment: ACMG/AMP criteria applied: PVS1, PM2, PM6.

Labcorp Genetics (formerly Invitae), Labcorp
Classification: Pathogenic. Last evaluated: 2020-03-03. Review status: criteria provided, single submitter. Criteria: Invitae Variant Classification Sherloc (09022015). Collection method: clinical testing. Allele origin: germline.
Comment: This sequence change creates a premature translational stop signal (p.Tyr933*) in the NEXMIF gene. It is expected to result in an absent or disrupted protein product. This variant is not present in population databases (ExAC no frequency). This variant has not been reported in the literature in individuals with NEXMIF-related conditions. Loss-of-function variants in NEXMIF are known to be pathogenic (PMID: 23615299). For these reasons, this variant has been classified as Pathogenic.

Literature cited by the submitters: PubMed 23615299 (cited by Labcorp Genetics (formerly Invitae), Labcorp).

NM_001008537.3(NEXMIF):c.2799C>A (p.Tyr933Ter)

Gene: NEXMIF (neurite extension and migration factor; minus strand). Cytogenetic location: Xq13.3.
Variant type: single nucleotide variant.
Coding change: c.2799C>A on transcript NM_001008537.3 (MANE Select); coding-DNA position 2799, C replaced by A.
Protein change: p.Tyr933Ter; replaces tyrosine 933 with a stop codon.
Molecular consequence: nonsense.
Genome position (GRCh38, 1-based): chrX:74,741,758, G>T on the plus strand (C>A on the coding strand, the complement: NEXMIF is on the minus strand). VCF-style: chrX-74741758-G-T. GRCh37 (hg19) VCF-style: chrX-73961593-G-T.
Other names: NP_001008537.1:p.(Tyr933Ter); short protein forms Y933*.
Identifiers: ClinVar variation 1076827 (VCV001076827.8), dbSNP rs2147439956, ClinGen allele CA413667412.
Genomic context (GRCh38, chrX:74,741,758, plus strand): 5'-CATGGAGTCATACAGGACCTTGTTGCAATTACTGCCACCACTATTGAGACAGATTGGATT[G>T]TATGTTGTAGGTGTGAGGTTATTTTCCATGGAGACTACTTGGGAGGCTCCAAATTCACTG-3'